The following is an entry in ClinVar:

ClinVar aggregate classification (germline): Uncertain significance (1 of 4 stars; one submission).

gnomAD v4.1: 1 of 1,238,038 alleles (0.000081%); highest among the groups gnomAD compares: Non-Finnish European, 0.0001%; no homozygotes.

Submission:

Labcorp Genetics (formerly Invitae), Labcorp
Classification: Uncertain significance. Last evaluated: 2022-11-14. Review status: criteria provided, single submitter. Criteria: Invitae Variant Classification Sherloc (09022015). Collection method: clinical testing. Allele origin: germline.
Comment: In summary, the available evidence is currently insufficient to determine the role of this variant in disease. Therefore, it has been classified as a Variant of Uncertain Significance. Algorithms developed to predict the effect of missense changes on protein structure and function are either unavailable or do not agree on the potential impact of this missense change (SIFT: "Deleterious"; PolyPhen-2: "Not Available"; Align-GVGD: "Class C0"). This variant is not present in population databases (gnomAD no frequency). This sequence change replaces glycine, which is neutral and non-polar, with tryptophan, which is neutral and slightly polar, at codon 52 of the HOXA13 protein (p.Gly52Trp). This variant has not been reported in the literature in individuals affected with HOXA13-related conditions.

NM_000522.5(HOXA13):c.154G>T (p.Gly52Trp)

Genes: HOXA13 (homeobox A13; minus strand), LOC107126288 (NUP98-HOXA13 recombination region; plus strand). Cytogenetic location: 7p15.2.
Variant type: single nucleotide variant.
Coding change: c.154G>T on transcript NM_000522.5 (MANE Select); coding-DNA position 154, G replaced by T.
Protein change: p.Gly52Trp; replaces glycine 52 with tryptophan.
Molecular consequence: missense variant.
Genome position (GRCh38, 1-based): chr7:27,199,924, C>A on the plus strand (G>T on the coding strand, the complement: HOXA13 is on the minus strand). VCF-style: chr7-27199924-C-A. GRCh37 (hg19) VCF-style: chr7-27239543-C-A.
Other names: short protein forms G52W.
Identifiers: ClinVar variation 2814133 (VCV002814133.3), dbSNP rs759375503, ClinGen allele CA367076010.